The following is an entry in ClinVar:

ClinVar aggregate classification (germline): Uncertain significance (1 of 4 stars; one submission).

Conditions:
HMCN1-related disorder. Also called: HMCN1-related condition.

Allele frequency attached by ClinVar (database versions not stated): gnomAD exomes below 0.00001.
gnomAD v4.1: 1 of 1,613,124 alleles (0.000062%); highest among the groups gnomAD compares: Admixed American, 0.0017%; no homozygotes.

Submission:

PreventionGenetics, part of Exact Sciences
Classification: Uncertain significance for HMCN1-related condition. Last evaluated: 2022-09-22. Review status: criteria provided, single submitter. Criteria: ACMG Guidelines, 2015. Collection method: clinical testing. Allele origin: germline.
Comment: The HMCN1 c.1852C>T variant is predicted to result in the amino acid substitution p.Pro618Ser. To our knowledge, this variant has not been reported in the literature or in a large population database, indicating this variant is rare. At this time, the clinical significance of this variant is uncertain due to the absence of conclusive functional and genetic evidence.

NM_031935.3(HMCN1):c.1852C>T (p.Pro618Ser)

Gene: HMCN1 (hemicentin 1; plus strand). Cytogenetic location: 1q31.1.
Variant type: single nucleotide variant.
Coding change: c.1852C>T on transcript NM_031935.3 (MANE Select); coding-DNA position 1852, C replaced by T.
Protein change: p.Pro618Ser; replaces proline 618 with serine.
Molecular consequence: missense variant.
Genome position (GRCh38, 1-based): chr1:185,962,541, C>T. VCF-style: chr1-185962541-C-T. GRCh37 (hg19) VCF-style: chr1-185931673-C-T.
Other names: short protein forms P618S.
Identifiers: ClinVar variation 2636769 (VCV002636769.1), dbSNP rs1650099077, ClinGen allele CA343874125.